The following is an entry in ClinVar:

ClinVar aggregate classification (germline): Conflicting classifications of pathogenicity. Review status: criteria provided, conflicting classifications (1 of 4 stars). 2 submissions from 2 submitters: Uncertain significance (1); Likely benign (1). Last evaluated 2024-10-27.

Conditions:
DST-related disorder. Also called: DST-related condition; DST-related disorders.
Epidermolysis bullosa simplex 3, localized or generalized intermediate, with BP230 deficiency (EBS3). Also called: Epidermolysis bullosa simplex, autosomal recessive 2; Epidermolysis bullosa simplex due to BP230 deficiency. Identifiers: Orphanet 412181, MedGen C3809470, MONDO:0014180, OMIM 615425.
Hereditary sensory and autonomic neuropathy type 6. Also called: HSAN VI; Neuropathy, hereditary sensory and autonomic, type VI. Identifiers: Orphanet 314381, MedGen C3539003, MONDO:0013839, OMIM 614653.

Allele frequency attached by ClinVar (database versions not stated): gnomAD exomes 0.00006 and 0.00014; ExAC 0.00017; 1000 Genomes Project 30x 0.00031; ESP Exome Variant Server 0.00038; 1000 Genomes Project 0.00040; gnomAD 0.00055 and 0.00057; TOPMed 0.00068.
gnomAD v4.1: 179 of 1,612,212 alleles (0.011%); highest among the groups gnomAD compares: African/African-American, 0.21%; no homozygotes.

Submissions (2):

PreventionGenetics, part of Exact Sciences
Classification: Likely benign for DST-related condition. Last evaluated: 2024-10-27. Review status: criteria provided, single submitter. Criteria: ACMG Guidelines, 2015. Collection method: clinical testing. Allele origin: germline.
Comment: This variant is classified as likely benign based on ACMG/AMP sequence variant interpretation guidelines (Richards et al. 2015 PMID: 25741868, with internal and published modifications).

Labcorp Genetics (formerly Invitae), Labcorp
Classification: Uncertain significance for Epidermolysis bullosa simplex 3, localized or generalized intermediate, with BP230 deficiency; Hereditary sensory and autonomic neuropathy type 6. Last evaluated: 2022-08-23. Review status: criteria provided, single submitter. Criteria: Invitae Variant Classification Sherloc (09022015). Collection method: clinical testing. Allele origin: germline.
Comment: This sequence change replaces leucine, which is neutral and non-polar, with phenylalanine, which is neutral and non-polar, at codon 1517 of the DST protein (p.Leu1517Phe). This variant is present in population databases (rs140535914, gnomAD 0.2%). This variant has not been reported in the literature in individuals affected with DST-related conditions. ClinVar contains an entry for this variant (Variation ID: 583323). Algorithms developed to predict the effect of missense changes on protein structure and function output the following: SIFT: "Deleterious"; PolyPhen-2: "Benign"; Align-GVGD: "Class C15". The phenylalanine amino acid residue is found in multiple mammalian species, which suggests that this missense change does not adversely affect protein function. In summary, the available evidence is currently insufficient to determine the role of this variant in disease. Therefore, it has been classified as a Variant of Uncertain Significance.

NM_001723.7(DST):c.4551A>C (p.Leu1517Phe)

Gene: DST (dystonin; minus strand). Cytogenetic location: 6p12.1.
Variant type: single nucleotide variant.
Coding change: c.4551A>C on transcript NM_001723.7 (MANE Plus Clinical); coding-DNA position 4551, A replaced by C.
Protein change: p.Leu1517Phe; replaces leucine 1517 with phenylalanine.
Molecular consequence: missense variant. On other transcripts: intron variant (10).
Genome position (GRCh38, 1-based): chr6:56,619,483, T>G on the plus strand (A>C on the coding strand, the complement: DST is on the minus strand). VCF-style: chr6-56619483-T-G. GRCh37 (hg19) VCF-style: chr6-56484281-T-G.
Other names: c.4831-4999A>C (NM_001144769.5); c.4930-4999A>C (NM_001374722.1, NM_001374736.1); c.4957-4999A>C (NM_001374734.1); c.4417-4999A>C (NM_001144770.2); c.4297-4999A>C (NM_001374730.1, NM_001386100.1, NM_183380.4 and 1 more transcripts); c.3319-4999A>C (NM_015548.5); short protein forms L1517F.
Identifiers: ClinVar variation 583323 (VCV000583323.11), dbSNP rs140535914, ClinGen allele CA3870510.